The following is an entry in ClinVar:

ClinVar aggregate classification (germline): Benign. Review status: criteria provided, multiple submitters, no conflicts (2 of 4 stars). 7 submissions from 7 submitters: Benign (7). Last evaluated 2026-02-04.

Conditions:
Retinal dystrophy. Also called: Inherited retinal dystrophy. Identifiers: Orphanet 71862, MedGen C0854723, MeSH D058499, MONDO:0019118, HP:0000556.
Primary ciliary dyskinesia. Also called: Ciliary dyskinesia. Identifiers: Orphanet 244, MedGen C0008780, MONDO:0016575, HP:0012265.

Allele frequency attached by ClinVar (database versions not stated): ESP Exome Variant Server 0.08055; gnomAD 0.08849 and 0.08857; TOPMed 0.10346; gnomAD exomes 0.10656; ExAC 0.10668; 1000 Genomes Project 0.12927.
gnomAD v4.1: 73,658 of 1,151,088 alleles (6.4%); highest among the groups gnomAD compares: Admixed American, 19%; 2,387 homozygotes.

Submissions (7):

Labcorp Genetics (formerly Invitae), Labcorp
Classification: Benign for Primary ciliary dyskinesia. Last evaluated: 2026-02-04. Review status: criteria provided, single submitter. Criteria: Invitae Variant Classification Sherloc (09022015). Collection method: clinical testing. Allele origin: germline.

Blueprint Genetics
Classification: Benign. Last evaluated: 2024-11-28. Review status: criteria provided, single submitter. Criteria: ACMG Guidelines, 2015. Collection method: clinical testing. Allele origin: germline.

Dept Of Ophthalmology, Nagoya University
Classification: Benign for Retinal dystrophy. Last evaluated: 2023-10-01. Review status: criteria provided, single submitter. Criteria: Submitter's publication. Collection method: research. Allele origin: germline. Affected: yes.

GeneDx
Classification: Benign. Last evaluated: 2018-07-12. Review status: criteria provided, single submitter. Criteria: GeneDx Variant Classification Process June 2021. Collection method: clinical testing. Allele origin: germline. Affected: yes.

Laboratory for Molecular Medicine, Mass General Brigham Personalized Medicine
Classification: Benign. Last evaluated: 2016-03-28. Review status: criteria provided, single submitter. Criteria: LMM Criteria. Collection method: clinical testing. Allele origin: germline.
Comment: Variant identified in a genome or exome case(s) and assessed due to predicted null impact of the variant or pathogenic assertions in the literature or databases. Disclaimer: This variant has not undergone full assessment. The following are preliminary notes: Frequency

Breakthrough Genomics
Classification: Benign. Review status: criteria provided, single submitter. Criteria: ACMG Guidelines, 2015. Collection method: not provided. Allele origin: germline. Inheritance: X-linked inheritance. Affected: yes.

PreventionGenetics, part of Exact Sciences
Classification: Benign. Review status: criteria provided, single submitter. Criteria: ACMG Guidelines, 2015. Collection method: clinical testing. Allele origin: germline.

NM_001034853.2(RPGR):c.2223G>A (p.Glu741=)

Gene: RPGR (retinitis pigmentosa GTPase regulator; minus strand). Cytogenetic location: Xp11.4.
Variant type: single nucleotide variant.
Coding change: c.2223G>A on transcript NM_001034853.2 (MANE Select); coding-DNA position 2223, G replaced by A.
Protein change: p.Glu741=; no amino-acid change (glutamic acid 741 retained).
Molecular consequence: synonymous variant. On other transcripts: intron variant (8).
Genome position (GRCh38, 1-based): chrX:38,286,776, C>T on the plus strand (G>A on the coding strand, the complement: RPGR is on the minus strand). VCF-style: chrX-38286776-C-T. GRCh37 (hg19) VCF-style: chrX-38146029-C-T.
Other names: c.1569+4183G>A (NM_001367249.1, NM_001367250.1); c.1902+318G>A (NM_001367245.1); c.1386+4183G>A (NM_001367251.1); c.1719+318G>A (NM_001367246.1); c.1572+4183G>A (NM_001367247.1); c.1905+318G>A (NM_000328.3); c.1602+4183G>A (NM_001367248.1).
Identifiers: ClinVar variation 257192 (VCV000257192.17), dbSNP rs147619484, ClinGen allele CA10385299.